The following is an entry in ClinVar:

ClinVar aggregate classification (germline): Uncertain significance. Review status: criteria provided, multiple submitters, no conflicts (2 of 4 stars). 2 submissions from 2 submitters: Uncertain significance (2). Last evaluated 2025-05-02.

Conditions:
Familial focal epilepsy with variable foci (FPEVF). Identifiers: Orphanet 98820, MedGen C1858477, MONDO:0020310.

Allele frequency attached by ClinVar (database versions not stated): TOPMed 0.00001.
gnomAD v4.1: 9 of 1,613,816 alleles (0.00056%); highest among the groups gnomAD compares: Admixed American, 0.0017%; no homozygotes.

Submissions (2):

Labcorp Genetics (formerly Invitae), Labcorp
Classification: Uncertain significance for Familial focal epilepsy with variable foci. Last evaluated: 2025-05-02. Review status: criteria provided, single submitter. Criteria: Invitae Variant Classification Sherloc (09022015). Collection method: clinical testing. Allele origin: germline.
Comment: This sequence change replaces arginine, which is basic and polar, with histidine, which is basic and polar, at codon 392 of the DEPDC5 protein (p.Arg392His). This variant is present in population databases (no rsID available, gnomAD 0.003%). This variant has not been reported in the literature in individuals affected with DEPDC5-related conditions. ClinVar contains an entry for this variant (Variation ID: 2420494). Experimental studies and prediction algorithms are not available or were not evaluated, and the functional significance of this variant is currently unknown. In summary, the available evidence is currently insufficient to determine the role of this variant in disease. Therefore, it has been classified as a Variant of Uncertain Significance.

Revvity Omics, Revvity
Classification: Uncertain significance. Last evaluated: 2021-05-14. Review status: criteria provided, single submitter. Criteria: ACMG Guidelines, 2015. Collection method: clinical testing. Allele origin: germline.

NM_001242896.3(DEPDC5):c.1175G>A (p.Arg392His)

Gene: DEPDC5 (DEP domain containing 5, GATOR1 subcomplex subunit; plus strand). Cytogenetic location: 22q12.3.
Variant type: single nucleotide variant.
Coding change: c.1175G>A on transcript NM_001242896.3 (MANE Select); coding-DNA position 1175, G replaced by A.
Protein change: p.Arg392His; replaces arginine 392 with histidine.
Molecular consequence: missense variant. On other transcripts: non-coding transcript variant (5).
Genome position (GRCh38, 1-based): chr22:31,804,873, G>A. VCF-style: chr22-31804873-G-A. GRCh37 (hg19) VCF-style: chr22-32200859-G-A.
Other names: c.1175G>A, p.Arg392His (NM_001007188.4, NM_001136029.4, NM_001242897.2 and 7 more transcripts); c.1091G>A, p.Arg364His (NM_001369901.1, NM_001369902.1); short protein forms R364H, R392H.
Identifiers: ClinVar variation 2420494 (VCV002420494.10), dbSNP rs575467056, ClinGen allele CA323356100.